The following is an entry in ClinVar:

ClinVar aggregate classification (germline): Pathogenic (1 of 4 stars; one submission).

Submission:

Labcorp Genetics (formerly Invitae), Labcorp
Classification: Pathogenic. Last evaluated: 2023-12-22. Review status: criteria provided, single submitter. Criteria: Invitae Variant Classification Sherloc (09022015). Collection method: clinical testing. Allele origin: germline.
Comment: This sequence change creates a premature translational stop signal (p.Lys80Metfs*81) in the SKIV2L gene. It is expected to result in an absent or disrupted protein product. Loss-of-function variants in SKIV2L are known to be pathogenic (PMID: 22444670). This variant is not present in population databases (gnomAD no frequency). This variant has not been reported in the literature in individuals affected with SKIV2L-related conditions. Algorithms developed to predict the effect of sequence changes on RNA splicing suggest that this variant may disrupt the consensus splice site. For these reasons, this variant has been classified as Pathogenic.

Literature cited by the submitters: PubMed 22444670.

NM_006929.5(SKIC2):c.239_240del (p.Lys80fs)

Gene: SKIC2 (SKI2 subunit of superkiller complex; plus strand). Cytogenetic location: 6p21.33.
Variant type: Deletion.
Coding change: c.239_240del on transcript NM_006929.5 (MANE Select); coding-DNA positions 239 to 240, 2 bases deleted (AA; older notation c.239_240delAA).
Protein change: p.Lys80fs; shifts the reading frame from lysine 80.
Molecular consequence: frameshift variant.
Genome position (GRCh38, 1-based): chr6:31,960,222-31,960,223, AA deleted; deleting any 2 consecutive bases within chr6:31,960,220-31,960,223 gives the same sequence; the c. name uses the placement nearest the transcript's 3' end. VCF-style (leftmost placement, unchanged base first): chr6-31960219-GAA-G. GRCh37 (hg19) VCF-style: chr6-31927996-GAA-G.
Other names: short protein forms K80fs.
Identifiers: ClinVar variation 2722716 (VCV002722716.3), dbSNP rs1293081480, ClinGen allele CA823928469.